The following is an entry in ClinVar:

ClinVar aggregate classification (germline): Benign/Likely benign. Review status: criteria provided, multiple submitters, no conflicts (2 of 4 stars). 6 submissions from 6 submitters: Benign (1); Likely benign (4). 1 of the submissions does not count toward it. Last evaluated 2026-02-01.

Conditions:
MET-related disorder. Also called: MET-related condition.
Renal cell carcinoma. Identifiers: Orphanet 217071, MedGen C0007134, MeSH D002292, MONDO:0005086, HP:0005584.
Hereditary cancer-predisposing syndrome. Also called: Tumor predisposition; Hereditary neoplastic syndrome; Neoplastic Syndromes, Hereditary; Hereditary Cancer Syndrome. Identifiers: Orphanet 140162, MedGen C0027672, MeSH D009386, MONDO:0015356.
Papillary renal cell carcinoma type 1 (RCCP1). Also called: Renal adenocarcinoma; Renal cell carcinoma 1; Renal cell carcinoma, somatic; RENAL CELL CARCINOMA, PAPILLARY, 1, SOMATIC. Identifiers: Orphanet 47044, MedGen C1336839, OMIM 605074, HP:0011797.

Allele frequency attached by ClinVar (database versions not stated): TOPMed 0.00003; ExAC 0.00004; gnomAD 0.00004 and 0.00005; gnomAD exomes 0.00004 and 0.00005; ESP Exome Variant Server 0.00008.
gnomAD v4.1: 61 of 1,613,150 alleles (0.0038%); highest among the groups gnomAD compares: East Asian, 0.0067%; no homozygotes.

Submissions (6):

CeGaT Center for Human Genetics Tuebingen
Classification: Likely benign. Last evaluated: 2026-02-01. Review status: criteria provided, single submitter. Criteria: CeGaT Center For Human Genetics Tuebingen Variant Classification Criteria Version 2. Collection method: clinical testing. Allele origin: germline. Affected: yes. Observed: 1 variant allele.
Comment: MET: BP4, BP7

Labcorp Genetics (formerly Invitae), Labcorp
Classification: Likely benign for Renal cell carcinoma. Last evaluated: 2026-01-26. Review status: criteria provided, single submitter. Criteria: Invitae Variant Classification Sherloc (09022015). Collection method: clinical testing. Allele origin: germline.

Myriad Genetics, Inc.
Classification: Benign for Papillary renal cell carcinoma type 1. Last evaluated: 2024-11-07. Review status: criteria provided, single submitter. Criteria: Myriad Autosomal Dominant, Autosomal Recessive and X-Linked Classification Criteria (2023). Collection method: clinical testing. Allele origin: unknown.
Comment: This variant is considered benign. This variant is a silent/synonymous amino acid change and it is not expected to impact splicing.

GeneDx
Classification: Likely benign. Last evaluated: 2020-11-30. Review status: criteria provided, single submitter. Criteria: GeneDx Variant Classification Process June 2021. Collection method: clinical testing. Allele origin: germline. Affected: yes.

Ambry Genetics
Classification: Likely benign for Hereditary cancer-predisposing syndrome. Last evaluated: 2015-09-27. Review status: criteria provided, single submitter. Criteria: Ambry Variant Classification Scheme 2023. Collection method: clinical testing. Allele origin: germline.

PreventionGenetics, part of Exact Sciences
Classification: Likely benign for MET-related condition. Last evaluated: 2024-04-29. Review status: no assertion criteria provided. Collection method: clinical testing. Allele origin: germline. Not counted in ClinVar's aggregate classification.
Comment: This variant is classified as likely benign based on ACMG/AMP sequence variant interpretation guidelines (Richards et al. 2015 PMID: 25741868, with internal and published modifications).

NM_000245.4(MET):c.1659C>T (p.Ser553=)

Gene: MET (MET proto-oncogene, receptor tyrosine kinase; plus strand). Cytogenetic location: 7q31.2.
Variant type: single nucleotide variant.
Coding change: c.1659C>T on transcript NM_000245.4 (MANE Select); coding-DNA position 1659, C replaced by T.
Protein change: p.Ser553=; no amino-acid change (serine 553 retained).
Molecular consequence: synonymous variant.
Genome position (GRCh38, 1-based): chr7:116,740,983, C>T. VCF-style: chr7-116740983-C-T. GRCh37 (hg19) VCF-style: chr7-116381037-C-T.
Other names: c.1659C>T (NM_001127500.2); c.1659C>T, p.Ser553= (NM_001127500.3, NM_001324401.3); c.369C>T, p.Ser123= (NM_001324402.2).
Identifiers: ClinVar variation 132765 (VCV000132765.24), dbSNP rs377284387, ClinGen allele CA332108.